The following is an entry in ClinVar:

ClinVar aggregate classification (germline): Uncertain significance. Review status: criteria provided, multiple submitters, no conflicts (2 of 4 stars). 3 submissions from 3 submitters: Uncertain significance (2). 1 of the submissions does not count toward it. Last evaluated 2024-04-01.

Conditions:
Inborn genetic diseases. Identifiers: MedGen C0950123, MeSH D030342.
TH-deficient dopa-responsive dystonia. Also called: DYT-TH; Tyrosine Hydroxylase-Deficient Dopa-Responsive Dystonia; Segawa syndrome, autosomal recessive. Identifiers: Orphanet 101150, MedGen C2673535, MONDO:0011551, OMIM 605407.

Allele frequency attached by ClinVar (database versions not stated): TOPMed 0.00001; gnomAD exomes 0.00002; ExAC 0.00004; gnomAD 0.00001.
gnomAD v4.1: 23 of 1,603,852 alleles (0.0014%); highest among the groups gnomAD compares: Non-Finnish European, 0.0015%; no homozygotes.

Submissions (3):

Ambry Genetics
Classification: Uncertain significance for Inborn genetic diseases. Last evaluated: 2024-04-01. Review status: criteria provided, single submitter. Criteria: Ambry Variant Classification Scheme 2023. Collection method: clinical testing. Allele origin: germline.

Labcorp Genetics (formerly Invitae), Labcorp
Classification: Uncertain significance for TH-deficient dopa-responsive dystonia. Last evaluated: 2022-08-16. Review status: criteria provided, single submitter. Criteria: Invitae Variant Classification Sherloc (09022015). Collection method: clinical testing. Allele origin: germline.
Comment: This sequence change replaces alanine, which is neutral and non-polar, with valine, which is neutral and non-polar, at codon 50 of the TH protein (p.Ala50Val). The frequency data for this variant in the population databases is considered unreliable, as metrics indicate poor data quality at this position in the gnomAD database. This variant has not been reported in the literature in individuals affected with TH-related conditions. ClinVar contains an entry for this variant (Variation ID: 455992). Advanced modeling of protein sequence and biophysical properties (such as structural, functional, and spatial information, amino acid conservation, physicochemical variation, residue mobility, and thermodynamic stability) performed at Invitae indicates that this missense variant is not expected to disrupt TH protein function. In summary, the available evidence is currently insufficient to determine the role of this variant in disease. Therefore, it has been classified as a Variant of Uncertain Significance.

Natera, Inc.
Classification: Uncertain significance for Autosomal recessive Segawa syndrome. Last evaluated: 2019-11-11. Review status: no assertion criteria provided. Collection method: clinical testing. Allele origin: germline. Not counted in ClinVar's aggregate classification.

NM_000360.4(TH):c.91-853C>T

Gene: TH (tyrosine hydroxylase; minus strand). Cytogenetic location: 11p15.5.
Variant type: single nucleotide variant.
Coding change: c.91-853C>T on transcript NM_000360.4 (MANE Select); 853 bases into the intron before coding-DNA position 91, C replaced by T.
Molecular consequence: intron variant. On other transcripts: missense variant (2).
Genome position (GRCh38, 1-based): chr11:2,170,724, G>A on the plus strand (C>T on the coding strand, the complement: TH is on the minus strand). VCF-style: chr11-2170724-G-A. GRCh37 (hg19) VCF-style: chr11-2191954-G-A.
Other names: c.149C>T, p.Ala50Val (NM_199292.3); c.137C>T, p.Ala46Val (NM_199293.3); short protein forms A50V, A46V.
Identifiers: ClinVar variation 455992 (VCV000455992.12), dbSNP rs756331878, ClinGen allele CA5818818.